The following is an entry in ClinVar:

NC_000015.9:g.(?_38591568)_(38643870_?)del

Gene: SPRED1 (sprouty related EVH1 domain containing 1; plus strand). Cytogenetic location: 15q14.
Variant type: Deletion.
Identifiers: ClinVar variation 1073448 (VCV001073448.7).

ClinVar aggregate classification (germline): Pathogenic (1 of 4 stars; one submission).

Conditions:
Legius syndrome. Identifiers: Orphanet 137605, MedGen C1969623, MONDO:0012669, OMIM 611431. Disease mechanism: loss of function.

Submission:

Labcorp Genetics (formerly Invitae), Labcorp
Classification: Pathogenic for Legius syndrome. Last evaluated: 2021-08-12. Review status: criteria provided, single submitter. Criteria: Invitae Variant Classification Sherloc (09022015). Collection method: clinical testing. Allele origin: germline.
Comment: This variant is a gross deletion of the genomic region encompassing exon(s) 2-7 of the SPRED1 gene, which includes the termination codon. This deletion extends beyond the assayed region for this gene and therefore may encompass additional genes. While this deletion is not anticipated to lead to nonsense mediated decay, it is expected to alter mRNA translation or result in a truncated protein product. This variant has not been reported in the literature in individuals affected with SPRED1-related conditions. This variant disrupts a region of the SPRED1 protein in which other variant(s) (p.Gly385Ilefs*20) have been determined to be pathogenic (PMID: 17704776, 19443465, 19920235, 21089071). This suggests that this is a clinically significant region of the protein, and that variants that disrupt it are likely to be disease-causing. For these reasons, this variant has been classified as Pathogenic.

Literature cited by the submitters: PubMed 17704776; PubMed 19443465; PubMed 19920235; PubMed 21089071.